The following is an entry in ClinVar:

ClinVar aggregate classification (germline): Pathogenic (1 of 4 stars; one submission).

Conditions:
Bloom syndrome (BLM). Also called: Bloom-Torre-Machacek syndrome. Identifiers: Orphanet 125, MedGen C0005859, MONDO:0008876, OMIM 210900.

Allele frequency attached by ClinVar (database versions not stated): gnomAD exomes below 0.00001.
gnomAD v4.1: 2 of 1,613,012 alleles (0.00012%); highest among the groups gnomAD compares: Non-Finnish European, 0.00017%; no homozygotes.

Submission:

Labcorp Genetics (formerly Invitae), Labcorp
Classification: Pathogenic for Bloom syndrome. Last evaluated: 2023-09-08. Review status: criteria provided, single submitter. Criteria: Invitae Variant Classification Sherloc (09022015). Collection method: clinical testing. Allele origin: germline.
Comment: This sequence change creates a premature translational stop signal (p.Tyr888*) in the BLM gene. It is expected to result in an absent or disrupted protein product. Loss-of-function variants in BLM are known to be pathogenic (PMID: 17407155). This variant is not present in population databases (gnomAD no frequency). For these reasons, this variant has been classified as Pathogenic. Algorithms developed to predict the effect of sequence changes on RNA splicing suggest that this variant may disrupt the consensus splice site. This variant has not been reported in the literature in individuals affected with BLM-related conditions.

Literature cited by the submitters: PubMed 17407155.

NM_000057.4(BLM):c.2664T>A (p.Tyr888Ter)

Gene: BLM (BLM RecQ like helicase; plus strand). Cytogenetic location: 15q26.1.
Variant type: single nucleotide variant.
Coding change: c.2664T>A on transcript NM_000057.4 (MANE Select); coding-DNA position 2664, T replaced by A.
Protein change: p.Tyr888Ter; replaces tyrosine 888 with a stop codon.
Molecular consequence: nonsense.
Genome position (GRCh38, 1-based): chr15:90,784,922, T>A. VCF-style: chr15-90784922-T-A. GRCh37 (hg19) VCF-style: chr15-91328152-T-A.
Other names: c.2664T>A, p.Tyr888Ter (NM_001287246.2, NM_001287247.2); c.1539T>A, p.Tyr513Ter (NM_001287248.2); short protein forms Y513*, Y888*.
Identifiers: ClinVar variation 2759096 (VCV002759096.3), dbSNP rs2505501205, ClinGen allele CA393845845.